The following is an entry in ClinVar:

ClinVar aggregate classification (germline): Uncertain significance (1 of 4 stars; one submission).

Conditions:
Leukocyte adhesion deficiency 3. Also called: Leukocyte adhesion deficiency, type III; INTEGRIN ACTIVATION DEFICIENCY DISEASE; LEUKOCYTE ADHESION DEFICIENCY 1 VARIANT. Identifiers: Orphanet 2968, Orphanet 99844, MedGen C2748536, MONDO:0013016, OMIM 612840.

Submission:

Labcorp Genetics (formerly Invitae), Labcorp
Classification: Uncertain significance for Leukocyte adhesion deficiency 3. Last evaluated: 2023-10-05. Review status: criteria provided, single submitter. Criteria: Invitae Variant Classification Sherloc (09022015). Collection method: clinical testing. Allele origin: germline.
Comment: This variant, c.1469_1504del, results in the deletion of 12 amino acid(s) of the FERMT3 protein (p.Pro490_Gly501del), but otherwise preserves the integrity of the reading frame. This variant is not present in population databases (gnomAD no frequency). This variant has not been reported in the literature in individuals affected with FERMT3-related conditions. Experimental studies and prediction algorithms are not available or were not evaluated, and the functional significance of this variant is currently unknown. In summary, the available evidence is currently insufficient to determine the role of this variant in disease. Therefore, it has been classified as a Variant of Uncertain Significance.

NM_031471.6(FERMT3):c.1469_1504del (p.Pro490_Gly501del)

Gene: FERMT3 (FERM domain containing kindlin 3; plus strand). Cytogenetic location: 11q13.1.
Variant type: Deletion.
Coding change: c.1469_1504del on transcript NM_031471.6 (MANE Select); coding-DNA positions 1469 to 1504, 36 bases deleted.
Protein change: p.Pro490_Gly501del.
Molecular consequence: inframe deletion.
Genome position (GRCh38, 1-based): chr11:64,220,593-64,220,628, 36 bases deleted; deleting any 36 consecutive bases within chr11:64,220,587-64,220,628 gives the same sequence; the c. name uses the placement nearest the transcript's 3' end. GRCh37 (hg19): chr11:63,988,065-63,988,100.
Other names: c.1469_1504del, p.Pro490_Gly501del (NM_001382361.1, NM_001382448.1); c.1481_1516del, p.Pro494_Gly505del (NM_001382362.1, NM_178443.3); c.929_964del, p.Pro310_Gly321del (NM_001382363.1); c.941_976del, p.Pro314_Gly325del (NM_001382364.1).
Identifiers: ClinVar variation 2765745 (VCV002765745.3), dbSNP rs2496027383, ClinGen allele CA2697548629.